The following is an entry in ClinVar:

ClinVar aggregate classification (germline): Benign/Likely benign. Review status: criteria provided, multiple submitters, no conflicts (2 of 4 stars). 3 submissions from 3 submitters: Benign (1); Likely benign (1). 1 of the submissions does not count toward it. Last evaluated 2025-10-27.

Conditions:
MACF1-related disorder. Also called: MACF1-related condition.

Allele frequency attached by ClinVar (database versions not stated): gnomAD exomes 0.00004; ExAC 0.00007; 1000 Genomes Project 30x 0.00016; 1000 Genomes Project 0.00020; ESP Exome Variant Server 0.00038; gnomAD 0.00044; TOPMed 0.00052.
gnomAD v4.1: 133 of 1,614,146 alleles (0.0082%); highest among the groups gnomAD compares: African/African-American, 0.16%; no homozygotes.

Submissions (3):

Labcorp Genetics (formerly Invitae), Labcorp
Classification: Benign. Last evaluated: 2025-10-27. Review status: criteria provided, single submitter. Criteria: Invitae Variant Classification Sherloc (09022015). Collection method: clinical testing. Allele origin: germline.

Blueprint Genetics
Classification: Likely benign. Last evaluated: 2024-10-24. Review status: criteria provided, single submitter. Criteria: ACMG Guidelines, 2015. Collection method: clinical testing. Allele origin: germline.

PreventionGenetics, part of Exact Sciences
Classification: Likely benign for MACF1-related condition. Last evaluated: 2024-03-14. Review status: no assertion criteria provided. Collection method: clinical testing. Allele origin: germline. Not counted in ClinVar's aggregate classification.
Comment: This variant is classified as likely benign based on ACMG/AMP sequence variant interpretation guidelines (Richards et al. 2015 PMID: 25741868, with internal and published modifications).

NM_001394062.1(MACF1):c.18372C>G (p.Thr6124=)

Gene: MACF1 (microtubule actin crosslinking factor 1; plus strand). Cytogenetic location: 1p34.3.
Variant type: single nucleotide variant.
Coding change: c.18372C>G on transcript NM_001394062.1 (MANE Select); coding-DNA position 18372, C replaced by G.
Protein change: p.Thr6124=; no amino-acid change (threonine 6124 retained).
Molecular consequence: synonymous variant.
Genome position (GRCh38, 1-based): chr1:39,439,425, C>G. VCF-style: chr1-39439425-C-G. GRCh37 (hg19) VCF-style: chr1-39905097-C-G.
Other names: c.6450C>G, p.Thr2150= (NM_001397473.1); c.12195C>G, p.Thr4065= (NM_012090.5).
Identifiers: ClinVar variation 2726589 (VCV002726589.5), dbSNP rs145339018, ClinGen allele CA783868.